The following is an entry in ClinVar:

NM_024649.5(BBS1):c.723+6C>A

Gene: BBS1 (Bardet-Biedl syndrome 1; plus strand). Cytogenetic location: 11q13.2.
Variant type: single nucleotide variant.
Coding change: c.723+6C>A on transcript NM_024649.5 (MANE Select); 6 bases into the intron after coding-DNA position 723, C replaced by A.
Molecular consequence: intron variant.
Genome position (GRCh38, 1-based): chr11:66,519,754, C>A. VCF-style: chr11-66519754-C-A. GRCh37 (hg19) VCF-style: chr11-66287225-C-A.
Identifiers: ClinVar variation 3353740 (VCV003353740.1).

ClinVar aggregate classification (germline): Likely benign (0 of 4 stars; one submission).

Conditions:
BBS1-related disorder. Also called: BBS1-related condition.

Submission:

PreventionGenetics, part of Exact Sciences
Classification: Likely benign for BBS1-related condition. Last evaluated: 2022-07-06. Review status: no assertion criteria provided. Collection method: clinical testing. Allele origin: germline.
Comment: This variant is classified as likely benign based on ACMG/AMP sequence variant interpretation guidelines (Richards et al. 2015 PMID: 25741868, with internal and published modifications).